The following is an entry in ClinVar:

ClinVar aggregate classification (germline): Likely pathogenic (3 of 4 stars; one submission).

Conditions:
Glanzmann thrombasthenia. Also called: PLATELET GLYCOPROTEIN IIb-IIIa DEFICIENCY; Glanzmann's thrombasthenia; BLEEDING DISORDER, PLATELET-TYPE, 2; THROMBASTHENIA OF GLANZMANN AND NAEGELI; Thrombasthenia. Identifiers: Orphanet 849, MedGen C0040015, MONDO:0100326.

Submission:

ClinGen Platelet Disorders Variant Curation Expert Panel, ClinGen
Classification: Likely pathogenic for Glanzmann thrombasthenia. Last evaluated: 2025-02-18. Review status: reviewed by expert panel. Criteria: ClinGen Platelet ACMG Specifications v2-1. Collection method: curation. Allele origin: germline. Inheritance: Autosomal recessive inheritance.
Comment: The missense variant NM_000419.5(ITGA2B):c.423G>T (p.Trp141Cys) has been reported in at least one patient (GT14 in PMID: 25728920), with mucocutaneous bleeding and impaired aggregation against all agonists except ristocetin, which is highly specific for Glanzmann thrombasthenia. Additionally, αIIbβ3 surface expression was reduced to<5%, as measured by flow cytometry (PP4_strong). GT14 of PMID: 25728920 is compound heterozygous for Trp141Cys and c.2902del (classified as Pathogenic by the PD-EP), confirmation of trans phase was not reported (PM3_supporting). This variant is absent from gnomAD v4.1 (PM2_Supporting). The computational predictor REVEL gives a score of 0.879, which is above the ClinGen PD VCEP threshold of >0.7 and predicts a damaging effect on function (PP3). In summary this variant meets criteria to be classified as Likely Pathogenic for autosomal recessive Glanzmann Thrombasthenia based on the ACMG/AMP criteria applied, as specified by the ClinGen PD VCEP: PP4_strong, PM2_supporting, PM3_supporting, PP3. (VCEP specifications version 2.1)

NM_000419.5(ITGA2B):c.423G>T (p.Trp141Cys)

Gene: ITGA2B (integrin subunit alpha 2b; minus strand). Cytogenetic location: 17q21.31.
Variant type: single nucleotide variant.
Coding change: c.423G>T on transcript NM_000419.5 (MANE Select); coding-DNA position 423, G replaced by T.
Protein change: p.Trp141Cys; replaces tryptophan 141 with cysteine.
Molecular consequence: missense variant.
Genome position (GRCh38, 1-based): chr17:44,385,702, C>A on the plus strand (G>T on the coding strand, the complement: ITGA2B is on the minus strand). VCF-style: chr17-44385702-C-A. GRCh37 (hg19) VCF-style: chr17-42463070-C-A.
Other names: NM_000419.5:c.423G>T; short protein forms W141C.
Identifiers: ClinVar variation 1691484 (VCV001691484.3), dbSNP rs2143489430, ClinGen allele CA399806022.